The following is an entry in ClinVar:

ClinVar aggregate classification (germline): Uncertain significance. Review status: criteria provided, multiple submitters, no conflicts (2 of 4 stars). 2 submissions from 2 submitters: Uncertain significance (2). Last evaluated 2025-01-23.

Conditions:
Inborn genetic diseases. Identifiers: MedGen C0950123, MeSH D030342.

Allele frequency attached by ClinVar (database versions not stated): ExAC 0.00002; gnomAD 0.00005; gnomAD exomes 0.00006; TOPMed 0.00010.
gnomAD v4.1: 88 of 1,613,540 alleles (0.0055%); highest among the groups gnomAD compares: Non-Finnish European, 0.0068%; no homozygotes.

Submissions (2):

Ambry Genetics
Classification: Uncertain significance for Inborn genetic diseases. Last evaluated: 2025-01-23. Review status: criteria provided, single submitter. Criteria: Ambry Variant Classification Scheme 2023. Collection method: clinical testing. Allele origin: germline.

Labcorp Genetics (formerly Invitae), Labcorp
Classification: Uncertain significance. Last evaluated: 2022-07-08. Review status: criteria provided, single submitter. Criteria: Invitae Variant Classification Sherloc (09022015). Collection method: clinical testing. Allele origin: germline.
Comment: This sequence change replaces glutamine, which is neutral and polar, with arginine, which is basic and polar, at codon 3906 of the PCLO protein (p.Gln3906Arg). This variant is present in population databases (rs748825726, gnomAD 0.009%). This variant has not been reported in the literature in individuals affected with PCLO-related conditions. Algorithms developed to predict the effect of missense changes on protein structure and function are either unavailable or do not agree on the potential impact of this missense change (SIFT: "Deleterious"; PolyPhen-2: "Not Available"; Align-GVGD: "Class C0"). In summary, the available evidence is currently insufficient to determine the role of this variant in disease. Therefore, it has been classified as a Variant of Uncertain Significance.

NM_033026.6(PCLO):c.11717A>G (p.Gln3906Arg)

Gene: PCLO (piccolo presynaptic cytomatrix protein; minus strand). Cytogenetic location: 7q21.11.
Variant type: single nucleotide variant.
Coding change: c.11717A>G on transcript NM_033026.6 (MANE Select); coding-DNA position 11717, A replaced by G.
Protein change: p.Gln3906Arg; replaces glutamine 3906 with arginine.
Molecular consequence: missense variant.
Genome position (GRCh38, 1-based): chr7:82,916,269, T>C on the plus strand (A>G on the coding strand, the complement: PCLO is on the minus strand). VCF-style: chr7-82916269-T-C. GRCh37 (hg19) VCF-style: chr7-82545585-T-C.
Other names: c.11717A>G, p.Gln3906Arg (NM_014510.3); c.11717A>G (NM_033026.5); short protein forms Q3906R.
Identifiers: ClinVar variation 2174748 (VCV002174748.3), dbSNP rs748825726, ClinGen allele CA4319515.